The following is an entry in ClinVar:

NM_206933.4(USH2A):c.14630C>G (p.Pro4877Arg)

Gene: USH2A (usherin; minus strand). Cytogenetic location: 1q41.
Variant type: single nucleotide variant.
Coding change: c.14630C>G on transcript NM_206933.4 (MANE Select); coding-DNA position 14630, C replaced by G.
Protein change: p.Pro4877Arg; replaces proline 4877 with arginine.
Molecular consequence: missense variant.
Genome position (GRCh38, 1-based): chr1:215,647,683, G>C on the plus strand (C>G on the coding strand, the complement: USH2A is on the minus strand). VCF-style: chr1-215647683-G-C. GRCh37 (hg19) VCF-style: chr1-215821025-G-C.
Other names: short protein forms P4877R.
Identifiers: ClinVar variation 3620892 (VCV003620892.1).

ClinVar aggregate classification (germline): Uncertain significance (1 of 4 stars; one submission).

gnomAD v4.1: 2 of 1,614,182 alleles (0.00012%); highest among the groups gnomAD compares: Admixed American, 0.0033%; no homozygotes.

Submission:

Labcorp Genetics (formerly Invitae), Labcorp
Classification: Uncertain significance. Last evaluated: 2024-09-10. Review status: criteria provided, single submitter. Criteria: Invitae Variant Classification Sherloc (09022015). Collection method: clinical testing. Allele origin: germline.
Comment: This sequence change replaces proline, which is neutral and non-polar, with arginine, which is basic and polar, at codon 4877 of the USH2A protein (p.Pro4877Arg). This variant is not present in population databases (gnomAD no frequency). This variant has not been reported in the literature in individuals affected with USH2A-related conditions. Invitae Evidence Modeling of protein sequence and biophysical properties (such as structural, functional, and spatial information, amino acid conservation, physicochemical variation, residue mobility, and thermodynamic stability) indicates that this missense variant is not expected to disrupt USH2A protein function with a negative predictive value of 95%. In summary, the available evidence is currently insufficient to determine the role of this variant in disease. Therefore, it has been classified as a Variant of Uncertain Significance.